The following is an entry in ClinVar:

NM_001492.6(GDF1):c.1091T>C (p.Met364Thr)

Genes: CERS1 (ceramide synthase 1; minus strand), GDF1 (growth differentiation factor 1; minus strand). Cytogenetic location: 19p13.11.
Variant type: single nucleotide variant.
Coding change: c.1091T>C on transcript NM_001492.6 (MANE Select); coding-DNA position 1091, T replaced by C.
Protein change: p.Met364Thr; replaces methionine 364 with threonine.
Molecular consequence: missense variant. On other transcripts: 3 prime UTR variant (2).
Genome position (GRCh38, 1-based): chr19:18,868,625, A>G on the plus strand (T>C on the coding strand, the complement: GDF1 is on the minus strand). VCF-style: chr19-18868625-A-G. GRCh37 (hg19) VCF-style: chr19-18979434-A-G.
Other names: c.*1952T>C (NM_001387440.1); c.*1360T>C (NM_021267.5); c.1091T>C, p.Met364Thr (NM_001387438.1); short protein forms M364T.
Identifiers: ClinVar variation 522571 (VCV000522571.64), dbSNP rs374016704, ClinGen allele CA9317896.
Genomic context (GRCh38, chr19:18,868,625, plus strand): 5'-ATTGTTGGGCCCGCGTCCCTGCCCGCCCCGGGTTAGCGGCAGCCGCACTCGTCCACCACC[A>G]TGTCCTCATACTGCCGCAGCACCACGTTGTCGCTGTTGTCAAAGAAGAGCACGGAGATGG-3'
Protein context (NP_001483.3, residues 354-372): DNVVLRQYED[Met364Thr]VVDECGCR

ClinVar aggregate classification (germline): Pathogenic/Likely pathogenic. Review status: criteria provided, multiple submitters, no conflicts (2 of 4 stars). 12 submissions from 12 submitters: Pathogenic (3); Likely pathogenic (7). 2 of the submissions do not count toward it. Last evaluated 2026-07-06.

Conditions:
GDF1-RELATED DISORDERS.
Right atrial isomerism (RAI). Also called: IVEMARK SYNDROME. Identifiers: Orphanet 97548, MedGen C3178806, MONDO:0008832, OMIM 208530, HP:0011536.
Congenital heart defects, multiple types, 6 (CHTD6). Identifiers: Orphanet 860, MedGen C3151221, MONDO:0013463, OMIM 613854.
Abnormal heart morphology. Also called: Abnormality of cardiac morphology; Heart, malformation of. Identifiers: MedGen C0018798, MeSH D006330, HP:0001627.
GDF1-related disorder. Also called: GDF1-related condition.
Congenital heart defects, multiple types. Identifiers: MedGen CN377732, MONDO:0000119.

Allele frequency attached by ClinVar (database versions not stated): gnomAD exomes 0.00017 and 0.00051; ESP Exome Variant Server 0.00024; ExAC 0.00101; gnomAD 0.00028; TOPMed 0.00031.
gnomAD v4.1: 329 of 1,571,682 alleles (0.021%); highest among the groups gnomAD compares: Non-Finnish European, 0.0039%; no homozygotes.

Submissions (12):

PreventionGenetics, part of Exact Sciences
Classification: Likely pathogenic for GDF1-related condition. Last evaluated: 2026-07-06. Review status: criteria provided, single submitter. Criteria: ACMG Guidelines, 2015. Collection method: clinical testing. Allele origin: germline.
Comment: The GDF1 c.1091T>C variant is predicted to result in the amino acid substitution p.Met364Thr. This variant has been reported in the homozygous state or compound heterozygous state along with a second GDF1 variant in multiple individuals with transposition of the great arteries and pulmonary stenosis/atresia, and it has been described as a possible Ashkenazi Jewish founder variant (Table S3, Jin et al. 2017. PubMed ID: 28991257; Table S1, Gabriel et al. 2021. PubMed ID: 34958143). This variant is reported in 0.88% of alleles in individuals of Ashkenazi Jewish descent in gnomAD, which is consistent with this variant being a founder variant in this population. This variant is interpreted as likely pathogenic.

Dasa
Classification: Likely pathogenic. Last evaluated: 2025-12-16. Review status: criteria provided, single submitter. Criteria: DASA Assertion Criteria. Collection method: clinical testing. Allele origin: germline.
Comment: NM_001492.6(GDF1):c.1091T>C (p.Met364Thr) is a missense variant that results in the substitution of methionine with threonine. This variant has been recurrently observed in individuals with GDF1-related disorders (PMID: 26633542; PMID: 28991257; PMID: 34958143). Also, this variant is rare in population databases. Computational evidence supports a deleterious effect. Based on the currently available evidence, this variant is classified as likely pathogenic.

Women's Health and Genetics/Laboratory Corporation of America, LabCorp
Classification: Likely pathogenic for Right atrial isomerism. Last evaluated: 2025-09-03. Review status: criteria provided, single submitter. Criteria: LabCorp Variant Classification Summary - May 2015. Collection method: clinical testing. Allele origin: germline.
Comment: Variant summary: GDF1 c.1091T>C (p.Met364Thr) results in a non-conservative amino acid change in the encoded protein sequence. Algorithms developed to predict the effect of missense changes on protein structure and function all suggest that this variant is likely to be disruptive. The variant allele was found at a frequency of 0.00051 in 182990 control chromosomes. This frequency is not significantly higher than estimated for disease-causing variants in GDF1, allowing no conclusion about variant significance. c.1091T>C has been observed as a biallelic genotype in multiple individuals affected with features of Right Atrial Isomerism/Heterotaxy/ Abnormality of the connective tissue and/or cardiovascular systems (example, Retterer_2016, Jin_2017, Gabriel_2022). It has also been reported as a founder mutation in individuals of Ashkenazim ancestry. These data indicate that the variant is very likely to be associated with disease. To our knowledge, no experimental evidence demonstrating an impact on protein function has been reported. The following publications have been ascertained in the context of this evaluation (PMID: 34958143, 28991257, 26633542). ClinVar contains an entry for this variant (Variation ID: 522571). Based on the evidence outlined above, the variant was classified as likely pathogenic.

Labcorp Genetics (formerly Invitae), Labcorp
Classification: Likely pathogenic. Last evaluated: 2025-06-27. Review status: criteria provided, single submitter. Criteria: Invitae Variant Classification Sherloc (09022015). Collection method: clinical testing. Allele origin: germline.
Comment: This sequence change replaces methionine, which is neutral and non-polar, with threonine, which is neutral and polar, at codon 364 of the GDF1 protein (p.Met364Thr). This variant is present in population databases (rs374016704, gnomAD 0.9%), and has an allele count higher than expected for a pathogenic variant. This missense change has been observed in individual(s) with congenital heart disease and/or abnormality of the cardiovascular system (PMID: 26633542, 28991257, 34958143). It is commonly reported in individuals of Ashkenazi Jewish ancestry (PMID: 28991257). ClinVar contains an entry for this variant (Variation ID: 522571). Invitae Evidence Modeling of protein sequence and biophysical properties (such as structural, functional, and spatial information, amino acid conservation, physicochemical variation, residue mobility, and thermodynamic stability) indicates that this missense variant is expected to disrupt GDF1 protein function with a positive predictive value of 80%. In summary, the currently available evidence indicates that the variant is pathogenic, but additional data are needed to prove that conclusively. Therefore, this variant has been classified as Likely Pathogenic.

Blueprint Genetics
Classification: Pathogenic for GDF1-related disorders. Last evaluated: 2024-11-25. Review status: criteria provided, single submitter. Criteria: ACMG Guidelines, 2015. Collection method: clinical testing. Allele origin: germline. Affected: yes. Observed: 5 variant alleles.

Victorian Clinical Genetics Services, Murdoch Childrens Research Institute
Classification: Pathogenic for Congenital heart defects, multiple types. Last evaluated: 2024-11-19. Review status: criteria provided, single submitter. Criteria: ACMG Guidelines, 2015. Collection method: clinical testing. Allele origin: germline. Affected: yes.
Comment: This variant is classified as Pathogenic. Evidence in support of pathogenic classification: Variant is present in gnomAD <0.01 (v4: 329 heterozygote(s), 0 homozygote(s)); This variant has strong previous evidence of pathogenicity in unrelated individuals. It has been classified as pathogenic and likely pathogenic by multiple clinical laboratories in ClinVar, and has been reported in the literature in multiple unrelated homozygous individuals with congenital heart defects. It is suspected to be a founder mutation in the Ashkenazi Jewish population (PMID: 28991257). - Missense variant consistently predicted to be damaging by an in silico tool or highly conserved with a major amino acid change. Additional information: Variant is predicted to result in a missense amino acid change from methionine to threonine; This variant is homozygous; This gene is associated with both recessive and dominant disease (OMIM). There is no clear association between variant type and disease inheritance pattern (PMID: 32144877); Multiple alternative amino acid changes at the same position have been observed in gnomAD (v4; highest allele count: 6 heterozygote(s), 0 homozygote(s)); Loss of function is a known mechanism of disease in this gene and is associated with congenital heart defects, multiple types, 6 (MIM#613854) and right atrial isomerism (Ivemark) (MIM#208530). The majority of premature termination variants reported are associated with autosomal recessive inheritance; however, one was also reported for autosomal dominant inheritance (PMID: 32144877, 33131162); Inheritance information for this variant is not currently available in this individual.

Revvity Omics, Revvity
Classification: Likely pathogenic. Last evaluated: 2024-11-05. Review status: criteria provided, single submitter. Criteria: ACMG Guidelines, 2015. Collection method: clinical testing. Allele origin: germline.

Department of Pathology and Laboratory Medicine, Sinai Health System
Classification: Likely pathogenic for Congenital heart defects, multiple types, 6; Right atrial isomerism. Last evaluated: 2023-05-08. Review status: criteria provided, single submitter. Criteria: ACMG Guidelines, 2015. Collection method: research. Allele origin: germline.

GeneDx
Classification: Likely pathogenic. Last evaluated: 2022-06-14. Review status: criteria provided, single submitter. Criteria: GeneDx Variant Classification Process June 2021. Collection method: clinical testing. Allele origin: germline. Affected: yes.
Comment: In silico analysis supports that this missense variant has a deleterious effect on protein structure/function; This variant is associated with the following publications: (PMID: 31876989, 31818857, 26633542, 28991257, 31589614)

CeGaT Center for Human Genetics Tuebingen
Classification: Pathogenic. Last evaluated: 2020-02-01. Review status: criteria provided, single submitter. Criteria: CeGaT Center For Human Genetics Tuebingen Variant Classification Criteria Version 2. Collection method: clinical testing. Allele origin: germline. Affected: yes. Observed: 1 variant allele.

Reproductive Health Research and Development, BGI Genomics
Classification: Likely pathogenic for Congenital heart defects. Last evaluated: 2020-01-06. Review status: no assertion criteria provided. Collection method: curation. Allele origin: germline. Not counted in ClinVar's aggregate classification.
Comment: NM_001492.4:c.1091T>C in the GDF1 gene has an allele frequency of 0.009 in Ashkenazi Jewish subpopulation in the gnomAD database. This variant has been reported to be a common cause of congenital heart disease in the Ashkenazi Jewish population and has been found in homozygosity in 10 affected individuals (PMID: 28991257). Additional evidence supports homozygosity for p.Met364Thr in CHD risk among Ashkenazim. p.Met364Thr shows remarkable violation of Hardy Weinberg equilibrium among Ashkenazi CHD cases, (P = 5.5x10-38, 1-df chi-square test with Yates correction). In contrast, among 302 Ashkenazi autism parental controls and 926 additional Ashkenazi adults from an independent cohort without CHD, there were no homozygotes and 12 heterozygotes (two-sided Fisher's Exact P = 2.8x10-9). Pathogenic computational verdict because pathogenic predictions from DANN, DEOGEN2, MutationTaster, REVEL and SIFTT. We interprete this variant as Pathogenic/Likely pathogenic. ACMG/AMP Criteria applied: PS4; PM3.

OMIM
Classification: Pathogenic for CONGENITAL HEART DEFECTS, MULTIPLE TYPES, 6. Last evaluated: 2018-04-18. Review status: no assertion criteria provided. Collection method: literature only. Allele origin: germline. Not counted in ClinVar's aggregate classification.

Literature cited by the submitters: PubMed 26633542 (cited by 3 submitters); PubMed 28991257 (cited by 5 submitters); PubMed 34958143 (cited by 3 submitters); PubMed 33131162 (cited by Victorian Clinical Genetics Services, Murdoch Childrens Research Institute); PubMed 32144877 (cited by Victorian Clinical Genetics Services, Murdoch Childrens Research Institute).